The following is an entry in ClinVar:

NC_000007.13:g.(?_95800764)_(95951268_?)del

Gene: SLC25A13 (solute carrier family 25 member 13; minus strand). Cytogenetic location: 7q21.3.
Variant type: Deletion.
Identifiers: ClinVar variation 3245772 (VCV003245772.1).

ClinVar aggregate classification (germline): Pathogenic (1 of 4 stars; one submission).

Conditions:
Citrin deficiency. Identifiers: Orphanet 247582, MedGen C1997910, MONDO:0016602.

Submission:

Labcorp Genetics (formerly Invitae), Labcorp
Classification: Pathogenic for Citrin deficiency. Last evaluated: 2022-12-18. Review status: criteria provided, single submitter. Criteria: Invitae Variant Classification Sherloc (09022015). Collection method: clinical testing. Allele origin: unknown.
Comment: This variant has not been reported in the literature in individuals affected with SLC25A13-related conditions. For these reasons, this variant has been classified as Pathogenic. This variant is a gross deletion of the genomic region encompassing exon(s) 1-12 of the SLC25A13 gene, which includes the initiator codon. This deletion extends beyond the assayed region for this gene and therefore may encompass additional genes. It is expected to result in an absent or disrupted protein product. Loss-of-function variants in SLC25A13 are known to be pathogenic (PMID: 10369257, 14680984, 27405544).

Literature cited by the submitters: PubMed 10369257; PubMed 14680984; PubMed 27405544.